The following is an entry in ClinVar:

ClinVar aggregate classification (germline): Uncertain significance (1 of 4 stars; one submission).

Conditions:
Epileptic encephalopathy. Identifiers: MedGen C0543888, HP:0200134.

Allele frequency attached by ClinVar (database versions not stated): gnomAD exomes below 0.00001.
gnomAD v4.1: 3 of 1,613,980 alleles (0.00019%); highest among the groups gnomAD compares: South Asian, 0.0011%; no homozygotes.

Submission:

Labcorp Genetics (formerly Invitae), Labcorp
Classification: Uncertain significance for Epileptic encephalopathy. Last evaluated: 2022-02-03. Review status: criteria provided, single submitter. Criteria: Invitae Variant Classification Sherloc (09022015). Collection method: clinical testing. Allele origin: germline.
Comment: This sequence change replaces serine, which is neutral and polar, with cysteine, which is neutral and slightly polar, at codon 4121 of the RYR3 protein (p.Ser4121Cys). In summary, the available evidence is currently insufficient to determine the role of this variant in disease. Therefore, it has been classified as a Variant of Uncertain Significance. Algorithms developed to predict the effect of missense changes on protein structure and function (SIFT, PolyPhen-2, Align-GVGD) all suggest that this variant is likely to be tolerated. ClinVar contains an entry for this variant (Variation ID: 959312). This variant has not been reported in the literature in individuals affected with RYR3-related conditions. This variant is not present in population databases (gnomAD no frequency).

NM_001036.6(RYR3):c.12362C>G (p.Ser4121Cys)

Gene: RYR3 (ryanodine receptor 3; plus strand). Cytogenetic location: 15q14.
Variant type: single nucleotide variant.
Coding change: c.12362C>G on transcript NM_001036.6 (MANE Select); coding-DNA position 12362, C replaced by G.
Protein change: p.Ser4121Cys; replaces serine 4121 with cysteine.
Molecular consequence: missense variant.
Genome position (GRCh38, 1-based): chr15:33,838,342, C>G. VCF-style: chr15-33838342-C-G. GRCh37 (hg19) VCF-style: chr15-34130543-C-G.
Other names: c.12347C>G, p.Ser4116Cys (NM_001243996.4); short protein forms S4116C, S4121C.
Identifiers: ClinVar variation 959312 (VCV000959312.10), dbSNP rs2078163216, ClinGen allele CA391594960.